The following is an entry in ClinVar:

ClinVar aggregate classification (germline): Likely pathogenic (1 of 4 stars; one submission).

Conditions:
Long QT syndrome (LQTS). Identifiers: MedGen C0023976, MeSH D008133, MONDO:0002442. Disease mechanism: loss of function. Inheritance: Various modes of inheritance.

Submission:

Labcorp Genetics (formerly Invitae), Labcorp
Classification: Likely pathogenic for Long QT syndrome. Last evaluated: 2024-09-19. Review status: criteria provided, single submitter. Criteria: Invitae Variant Classification Sherloc (09022015). Collection method: clinical testing. Allele origin: germline.
Comment: This sequence change replaces serine, which is neutral and polar, with arginine, which is basic and polar, at codon 140 of the KCNQ1 protein (p.Ser140Arg). This variant is not present in population databases (gnomAD no frequency). This variant has not been reported in the literature in individuals affected with KCNQ1-related conditions. Invitae Evidence Modeling of protein sequence and biophysical properties (such as structural, functional, and spatial information, amino acid conservation, physicochemical variation, residue mobility, and thermodynamic stability) indicates that this missense variant is expected to disrupt KCNQ1 protein function with a positive predictive value of 95%. This variant disrupts the p.Ser140 amino acid residue in KCNQ1. Other variant(s) that disrupt this residue have been determined to be pathogenic (PMID: 12522251, 18599533, 22250012, 24006450). This suggests that this residue is clinically significant, and that variants that disrupt this residue are likely to be disease-causing. In summary, the currently available evidence indicates that the variant is pathogenic, but additional data are needed to prove that conclusively. Therefore, this variant has been classified as Likely Pathogenic.

Literature cited by the submitters: PubMed 12522251; PubMed 18599533; PubMed 22250012; PubMed 24006450.

NM_000218.3(KCNQ1):c.418A>C (p.Ser140Arg)

Gene: KCNQ1 (potassium voltage-gated channel subfamily Q member 1; plus strand). Cytogenetic location: 11p15.5.
Variant type: single nucleotide variant.
Coding change: c.418A>C on transcript NM_000218.3 (MANE Select); coding-DNA position 418, A replaced by C.
Protein change: p.Ser140Arg; replaces serine 140 with arginine.
Molecular consequence: missense variant.
Genome position (GRCh38, 1-based): chr11:2,527,959, A>C. VCF-style: chr11-2527959-A-C. GRCh37 (hg19) VCF-style: chr11-2549189-A-C.
Other names: c.418A>C, p.Ser140Arg (NM_001406836.1, NM_001406838.1); c.148A>C, p.Ser50Arg (NM_001406837.1); c.37A>C, p.Ser13Arg (NM_181798.2); short protein forms S13R, S140R, S50R.
Identifiers: ClinVar variation 3719869 (VCV003719869.2).